The following is an entry in ClinVar:

NM_000051.4(ATM):c.2643dup (p.Ile882fs)

Gene: ATM (ATM serine/threonine kinase; plus strand). Cytogenetic location: 11q22.3.
Variant type: Duplication.
Coding change: c.2643dup on transcript NM_000051.4 (MANE Select); coding-DNA position 2643, one base duplicated (C; older notation c.2643dupC).
Protein change: p.Ile882fs; shifts the reading frame from isoleucine 882.
Molecular consequence: frameshift variant.
Genome position (GRCh38, 1-based): chr11:108,268,414, C duplicated; the last of 2 consecutive C bases (chr11:108,268,413-108,268,414); duplicating either gives the same sequence. VCF-style (leftmost placement, unchanged base first): chr11-108268412-G-GC. GRCh37 (hg19) VCF-style: chr11-108139139-G-GC.
Other names: c.2643dup, p.Ile882fs (NM_001351834.2); short protein forms I882fs.
Identifiers: ClinVar variation 2033810 (VCV002033810.4), dbSNP rs2497630092, ClinGen allele CA2580083092.

ClinVar aggregate classification (germline): Pathogenic (1 of 4 stars; one submission).

Conditions:
Ataxia-telangiectasia syndrome (AT). Also called: Ataxia-telangiectasia, complementation group D; ATAXIA-TELANGIECTASIA, COMPLEMENTATION GROUP A; ATAXIA-TELANGIECTASIA, FRESNO VARIANT; Ataxia-telangiectasia; Ataxia telangiectasia (A-T); Cerebello-oculocutaneous telangiectasia. Identifiers: Orphanet 100, MedGen C0004135, MONDO:0008840, OMIM 208900.

Submission:

Labcorp Genetics (formerly Invitae), Labcorp
Classification: Pathogenic for Ataxia-telangiectasia syndrome. Last evaluated: 2022-10-03. Review status: criteria provided, single submitter. Criteria: Invitae Variant Classification Sherloc (09022015). Collection method: clinical testing. Allele origin: germline.
Comment: For these reasons, this variant has been classified as Pathogenic. This variant has not been reported in the literature in individuals affected with ATM-related conditions. This variant is not present in population databases (gnomAD no frequency). This sequence change creates a premature translational stop signal (p.Ile882Hisfs*2) in the ATM gene. It is expected to result in an absent or disrupted protein product. Loss-of-function variants in ATM are known to be pathogenic (PMID: 23807571, 25614872).

Literature cited by the submitters: PubMed 23807571; PubMed 25614872.